The following is an entry in ClinVar:

ClinVar aggregate classification (germline): Uncertain significance (1 of 4 stars; one submission).

Allele frequency attached by ClinVar (database versions not stated): gnomAD 0.00001; ExAC 0.00001; gnomAD exomes 0.00002; TOPMed 0.00002.

Submission:

Labcorp Genetics (formerly Invitae), Labcorp
Classification: Uncertain significance. Last evaluated: 2026-01-04. Review status: criteria provided, single submitter. Criteria: Invitae Variant Classification Sherloc (09022015). Collection method: clinical testing. Allele origin: germline.
Comment: This sequence change replaces arginine, which is basic and polar, with histidine, which is basic and polar, at codon 1063 of the LRP5 protein (p.Arg1063His). This variant is present in population databases (rs755269989, gnomAD 0.006%). This variant has not been reported in the literature in individuals affected with LRP5-related conditions. ClinVar contains an entry for this variant (Variation ID: 3001664). Invitae Evidence Modeling of protein sequence and biophysical properties (such as structural, functional, and spatial information, amino acid conservation, physicochemical variation, residue mobility, and thermodynamic stability) indicates that this missense variant is not expected to disrupt LRP5 protein function with a negative predictive value of 95%. In summary, the available evidence is currently insufficient to determine the role of this variant in disease. Therefore, it has been classified as a Variant of Uncertain Significance.

NM_002335.4(LRP5):c.3188G>A (p.Arg1063His)

Gene: LRP5 (LDL receptor related protein 5; plus strand). Cytogenetic location: 11q13.2.
Variant type: single nucleotide variant.
Coding change: c.3188G>A on transcript NM_002335.4 (MANE Select); coding-DNA position 3188, G replaced by A.
Protein change: p.Arg1063His; replaces arginine 1063 with histidine.
Molecular consequence: missense variant.
Genome position (GRCh38, 1-based): chr11:68,423,649, G>A. VCF-style: chr11-68423649-G-A. GRCh37 (hg19) VCF-style: chr11-68191117-G-A.
Other names: c.1445G>A, p.Arg482His (NM_001291902.2); short protein forms R482H, R1063H.
Identifiers: ClinVar variation 3001664 (VCV003001664.3), dbSNP rs755269989, ClinGen allele CA6149869.